The following is an entry in ClinVar:

NM_152618.3(BBS12):c.626A>G (p.Asp209Gly)

Gene: BBS12 (Bardet-Biedl syndrome 12; plus strand). Cytogenetic location: 4q27.
Variant type: single nucleotide variant.
Coding change: c.626A>G on transcript NM_152618.3 (MANE Select); coding-DNA position 626, A replaced by G.
Protein change: p.Asp209Gly; replaces aspartic acid 209 with glycine.
Molecular consequence: missense variant.
Genome position (GRCh38, 1-based): chr4:122,742,518, A>G. VCF-style: chr4-122742518-A-G. GRCh37 (hg19) VCF-style: chr4-123663673-A-G.
Other names: c.626A>G, p.Asp209Gly (NM_001178007.2); short protein forms D209G.
Identifiers: ClinVar variation 1422330 (VCV001422330.5), dbSNP rs1472424724, ClinGen allele CA358223342.

ClinVar aggregate classification (germline): Uncertain significance (1 of 4 stars; one submission).

Conditions:
Bardet-Biedl syndrome (BBS). Identifiers: Orphanet 110, MedGen C0752166, MONDO:0015229.

Allele frequency attached by ClinVar (database versions not stated): TOPMed 0.00001.

Submission:

Labcorp Genetics (formerly Invitae), Labcorp
Classification: Uncertain significance for Bardet-Biedl syndrome. Last evaluated: 2021-09-01. Review status: criteria provided, single submitter. Criteria: Invitae Variant Classification Sherloc (09022015). Collection method: clinical testing. Allele origin: germline.
Comment: This sequence change replaces aspartic acid with glycine at codon 209 of the BBS12 protein (p.Asp209Gly). The aspartic acid residue is moderately conserved and there is a moderate physicochemical difference between aspartic acid and glycine. This variant is not present in population databases (ExAC no frequency). This variant has not been reported in the literature in individuals affected with BBS12-related conditions. Algorithms developed to predict the effect of missense changes on protein structure and function output the following: SIFT: "Tolerated"; PolyPhen-2: "Benign"; Align-GVGD: "Class C0". The glycine amino acid residue is found in multiple mammalian species, which suggests that this missense change does not adversely affect protein function. Algorithms developed to predict the effect of sequence changes on RNA splicing suggest that this variant may create or strengthen a splice site. In summary, the available evidence is currently insufficient to determine the role of this variant in disease. Therefore, it has been classified as a Variant of Uncertain Significance.